The following is an entry in ClinVar:

ClinVar aggregate classification (germline): Pathogenic. Review status: criteria provided, multiple submitters, no conflicts (2 of 4 stars). 2 submissions from 2 submitters: Pathogenic (2). Last evaluated 2025-09-10.

Conditions:
Cohen syndrome (COH1). Also called: PEPPER SYNDROME; Cutis verticis gyrata, retinitis pigmentosa, and sensorineural deafness. Identifiers: Orphanet 193, MedGen C0265223, MONDO:0008999, OMIM 216550.

Allele frequency attached by ClinVar (database versions not stated): gnomAD exomes below 0.00001; gnomAD 0.00001.

Submissions (2):

Labcorp Genetics (formerly Invitae), Labcorp
Classification: Pathogenic for Cohen syndrome. Last evaluated: 2025-09-10. Review status: criteria provided, single submitter. Criteria: Invitae Variant Classification Sherloc (09022015). Collection method: clinical testing. Allele origin: germline.
Comment: This sequence change creates a premature translational stop signal (p.Gln1744Serfs*25) in the VPS13B gene. It is expected to result in an absent or disrupted protein product. Loss-of-function variants in VPS13B are known to be pathogenic (PMID: 15141358, 16648375, 20461111). This variant is present in population databases (no rsID available, gnomAD 0.007%). This variant has not been reported in the literature in individuals affected with VPS13B-related conditions. ClinVar contains an entry for this variant (Variation ID: 1402888). For these reasons, this variant has been classified as Pathogenic.

Women's Health and Genetics/Laboratory Corporation of America, LabCorp
Classification: Pathogenic for Cohen syndrome. Last evaluated: 2023-09-01. Review status: criteria provided, single submitter. Criteria: LabCorp Variant Classification Summary - May 2015. Collection method: clinical testing. Allele origin: germline.
Comment: Variant summary: VPS13B c.5228_5229insC (p.Gln1744SerfsX25) results in a premature termination codon, predicted to cause a truncation of the encoded protein or absence of the protein due to nonsense mediated decay, which are commonly known mechanisms for disease. The variant allele was found at a frequency of 4e-06 in 251304 control chromosomes. To our knowledge, no occurrence of c.5228_5229insC in individuals affected with Cohen Syndrome and no experimental evidence demonstrating its impact on protein function have been reported. One submitter has cited clinical-significance assessments for this variant to ClinVar after 2014 and has classified the variant as pathogenic. Based on the evidence outlined above, the variant was classified as pathogenic.

Literature cited by the submitters: PubMed 15141358 (cited by Labcorp Genetics (formerly Invitae), Labcorp); PubMed 16648375 (cited by Labcorp Genetics (formerly Invitae), Labcorp); PubMed 20461111 (cited by Labcorp Genetics (formerly Invitae), Labcorp).

NM_152564.5(VPS13B):c.5153_5154insC (p.Gln1719fs)

Gene: VPS13B (vacuolar protein sorting 13 homolog B; plus strand). Cytogenetic location: 8q22.2.
Variant type: Insertion.
Coding change: c.5153_5154insC on transcript NM_152564.5 (MANE Select); coding-DNA positions 5153 to 5154, C inserted.
Protein change: p.Gln1719fs; shifts the reading frame from glutamine 1719.
Molecular consequence: frameshift variant.
Genome position: GRCh38 VCF-style: chr8-99577566-T-TC. GRCh37 (hg19) VCF-style: chr8-100589794-T-TC.
Other names: c.5228_5229insC (NM_017890.4); c.5228_5229insC, p.Gln1744fs (NM_017890.5); short protein forms Q1719fs, Q1744fs.
Identifiers: ClinVar variation 1402888 (VCV001402888.6), dbSNP rs1563806122, ClinGen allele CA583880379.